The following is an entry in ClinVar:

NM_021973.3(HAND2):c.648G>C (p.Lys216Asn)

Gene: HAND2 (heart and neural crest derivatives expressed 2; minus strand). Cytogenetic location: 4q34.1.
Variant type: single nucleotide variant.
Coding change: c.648G>C on transcript NM_021973.3 (MANE Select); coding-DNA position 648, G replaced by C.
Protein change: p.Lys216Asn; replaces lysine 216 with asparagine.
Molecular consequence: missense variant.
Genome position (GRCh38, 1-based): chr4:173,527,283, C>G on the plus strand (G>C on the coding strand, the complement: HAND2 is on the minus strand). VCF-style: chr4-173527283-C-G. GRCh37 (hg19) VCF-style: chr4-174448434-C-G.
Other names: c.648G>C (NM_021973.2); short protein forms K216N.
Identifiers: ClinVar variation 3017582 (VCV003017582.4), dbSNP rs998090089, ClinGen allele CA110737344.

ClinVar aggregate classification (germline): Uncertain significance. Review status: criteria provided, multiple submitters, no conflicts (2 of 4 stars). 2 submissions from 2 submitters: Uncertain significance (2). Last evaluated 2024-04-06.

Conditions:
Inborn genetic diseases. Identifiers: MedGen C0950123, MeSH D030342.

Allele frequency attached by ClinVar (database versions not stated): gnomAD 0.00001; TOPMed 0.00001.

Submissions (2):

Ambry Genetics
Classification: Uncertain significance for Inborn genetic diseases. Last evaluated: 2024-04-06. Review status: criteria provided, single submitter. Criteria: Ambry Variant Classification Scheme 2023. Collection method: clinical testing. Allele origin: germline.

Labcorp Genetics (formerly Invitae), Labcorp
Classification: Uncertain significance. Last evaluated: 2023-04-20. Review status: criteria provided, single submitter. Criteria: Invitae Variant Classification Sherloc (09022015). Collection method: clinical testing. Allele origin: germline.
Comment: In summary, the available evidence is currently insufficient to determine the role of this variant in disease. Therefore, it has been classified as a Variant of Uncertain Significance. An algorithm developed to predict the effect of missense changes on protein structure and function (PolyPhen-2) suggests that this variant is likely to be disruptive. This variant has not been reported in the literature in individuals affected with HAND2-related conditions. This variant is present in population databases (no rsID available, gnomAD 0.007%). This sequence change replaces lysine, which is basic and polar, with asparagine, which is neutral and polar, at codon 216 of the HAND2 protein (p.Lys216Asn).